The following is an entry in ClinVar:

NM_018238.4(AGK):c.*320G>A

Gene: AGK (acylglycerol kinase; plus strand). Cytogenetic location: 7q34.
Variant type: single nucleotide variant.
Coding change: c.*320G>A on transcript NM_018238.4 (MANE Select); 320 bases downstream of the stop codon, G replaced by A.
Molecular consequence: 3 prime UTR variant.
Genome position (GRCh38, 1-based): chr7:141,653,244, G>A. VCF-style: chr7-141653244-G-A. GRCh37 (hg19) VCF-style: chr7-141353044-G-A.
Other names: c.*320G>A (LRG_1251t1).
Identifiers: ClinVar variation 359071 (VCV000359071.7), dbSNP rs3735282, ClinGen allele CA10625374.
Genomic context (GRCh38, chr7:141,653,244, plus strand): 5'-AAGACGGAAAAGGACTTTCTTCTGTTTTCTTCCAAAGTGCAACCACAGTGGAGAGCCCAC[G>A]GTGGGCTTAGCCTGCCTAGGCCCTTCCATTTCTCTTCTTTGACCGTGCTAGGAATTCCAG-3'

ClinVar aggregate classification (germline): Benign/Likely benign. Review status: criteria provided, multiple submitters, no conflicts (2 of 4 stars). 3 submissions from 2 submitters: Benign (2); Likely benign (1). Last evaluated 2018-07-09.

Conditions:
Sengers syndrome. Also called: MITOCHONDRIAL DNA DEPLETION SYNDROME 10 (CARDIOMYOPATHIC TYPE); Cardiomyopathy and cataract. Identifiers: Orphanet 1369, MedGen C1859317, MONDO:0008922, OMIM 212350.
Cataract 38. Also called: Cataract, autosomal recessive congenital 5; Cataract 38, autosomal recessive. Identifiers: Orphanet 91492, MedGen C3553494, MONDO:0013859, OMIM 614691.

Allele frequency attached by ClinVar (database versions not stated): gnomAD exomes 0.00313; gnomAD 0.01411 and 0.01469; TOPMed 0.01602; 1000 Genomes Project 0.01897; 1000 Genomes Project 30x 0.01983.
gnomAD v4.1: 2,492 of 268,426 alleles (0.93%); highest among the groups gnomAD compares: African/African-American, 4.6%; 71 homozygotes.

Submissions (3):

GeneDx
Classification: Likely benign. Last evaluated: 2018-07-09. Review status: criteria provided, single submitter. Criteria: GeneDx Variant Classification Process June 2021. Collection method: clinical testing. Allele origin: germline. Affected: yes.

Illumina Laboratory Services, Illumina
Classification: Benign for Sengers syndrome. Last evaluated: 2018-01-13. Review status: criteria provided, single submitter. Criteria: ICSL Variant Classification Criteria 13 December 2019. Collection method: clinical testing. Allele origin: germline.
Comment: This variant was observed in the ICSL laboratory as part of a predisposition screen in an ostensibly healthy population. It had not been previously curated by ICSL or reported in the Human Gene Mutation Database (HGMD: prior to June 1st, 2018), and was therefore a candidate for classification through an automated scoring system. Utilizing variant allele frequency, disease prevalence and penetrance estimates, and inheritance mode, an automated score was calculated to assess if this variant is too frequent to cause the disease. Based on the score and internal cut-off values, a variant classified as benign is not then subjected to further curation. The score for this variant resulted in a classification of benign for this disease.

Illumina Laboratory Services, Illumina
Classification: Benign for Cataract 38. Last evaluated: 2018-01-13. Review status: criteria provided, single submitter. Criteria: ICSL Variant Classification Criteria 13 December 2019. Collection method: clinical testing. Allele origin: germline.
Comment: the same text as in the submission from Illumina Laboratory Services, Illumina above.